The following is an entry in ClinVar:

NM_004336.5(BUB1):c.1685C>A (p.Pro562His)

Gene: BUB1 (BUB1 mitotic checkpoint serine/threonine kinase; minus strand). Cytogenetic location: 2q13.
Variant type: single nucleotide variant.
Coding change: c.1685C>A on transcript NM_004336.5 (MANE Select); coding-DNA position 1685, C replaced by A.
Protein change: p.Pro562His; replaces proline 562 with histidine.
Molecular consequence: missense variant.
Genome position (GRCh38, 1-based): chr2:110,657,049, G>T on the plus strand (C>A on the coding strand, the complement: BUB1 is on the minus strand). VCF-style: chr2-110657049-G-T. GRCh37 (hg19) VCF-style: chr2-111414626-G-T.
Other names: c.1625C>A, p.Pro542His (NM_001278616.2); c.1685C>A, p.Pro562His (NM_001278617.2); short protein forms P542H, P562H.
Identifiers: ClinVar variation 1777984 (VCV001777984.2), dbSNP rs1268291400, ClinGen allele CA348211328.

ClinVar aggregate classification (germline): Uncertain significance (1 of 4 stars; one submission).

Allele frequency attached by ClinVar (database versions not stated): gnomAD exomes 0.00001; gnomAD 0.00002; TOPMed 0.00002.
gnomAD v4.1: 21 of 1,612,248 alleles (0.0013%); highest among the groups gnomAD compares: Non-Finnish European, 0.0017%; no homozygotes.

Submission:

Ambry Genetics
Classification: Uncertain significance. Last evaluated: 2024-02-06. Review status: criteria provided, single submitter. Criteria: Ambry Variant Classification Scheme 2023. Collection method: clinical testing. Allele origin: germline.
Comment: The p.P562H variant (also known as c.1685C>A), located in coding exon 15 of the BUB1 gene, results from a C to A substitution at nucleotide position 1685. The proline at codon 562 is replaced by histidine, an amino acid with similar properties. This amino acid position is conserved. In addition, this alteration is predicted to be tolerated by in silico analysis. Since supporting evidence is limited at this time, the clinical significance of this alteration remains unclear.